The following is an entry in ClinVar:

NM_003797.5(EED):c.9G>T (p.Glu3Asp)

Gene: EED (embryonic ectoderm development; plus strand). Cytogenetic location: 11q14.2.
Variant type: single nucleotide variant.
Coding change: c.9G>T on transcript NM_003797.5 (MANE Select); coding-DNA position 9, G replaced by T.
Protein change: p.Glu3Asp; replaces glutamic acid 3 with aspartic acid.
Molecular consequence: missense variant.
Genome position (GRCh38, 1-based): chr11:86,245,238, G>T. VCF-style: chr11-86245238-G-T. GRCh37 (hg19) VCF-style: chr11-85956280-G-T.
Other names: c.9G>T, p.Glu3Asp (NM_001308007.2, NM_001330334.2); short protein forms E3D.
Identifiers: ClinVar variation 845923 (VCV000845923.6), dbSNP rs773510026, ClinGen allele CA6216281.

ClinVar aggregate classification (germline): Uncertain significance (1 of 4 stars; one submission).

Conditions:
Cohen-Gibson syndrome (COGIS). Also called: EED-Related Overgrowth. Identifiers: Orphanet 659396, MedGen C4479654, MONDO:0060510, OMIM 617561.

Allele frequency attached by ClinVar (database versions not stated): TOPMed 0.00002; gnomAD 0.00003; ExAC 0.00006.
gnomAD v4.1: 108 of 1,613,228 alleles (0.0067%); highest among the groups gnomAD compares: Non-Finnish European, 0.0088%; no homozygotes.

Submission:

Labcorp Genetics (formerly Invitae), Labcorp
Classification: Uncertain significance for Cohen-Gibson syndrome. Last evaluated: 2021-09-01. Review status: criteria provided, single submitter. Criteria: Invitae Variant Classification Sherloc (09022015). Collection method: clinical testing. Allele origin: germline.
Comment: This sequence change replaces glutamic acid with aspartic acid at codon 3 of the EED protein (p.Glu3Asp). The glutamic acid residue is weakly conserved and there is a small physicochemical difference between glutamic acid and aspartic acid. This variant is present in population databases (rs773510026, ExAC 0.01%). This variant has not been reported in the literature in individuals affected with EED-related conditions. Algorithms developed to predict the effect of missense changes on protein structure and function (SIFT, PolyPhen-2, Align-GVGD) all suggest that this variant is likely to be tolerated. In summary, the available evidence is currently insufficient to determine the role of this variant in disease. Therefore, it has been classified as a Variant of Uncertain Significance.